The following is an entry in ClinVar:

ClinVar aggregate classification (germline): Uncertain significance (1 of 4 stars; one submission).

gnomAD v4.1: 6 of 1,572,732 alleles (0.00038%); highest among the groups gnomAD compares: South Asian, 0.0057%; no homozygotes.

Submission:

Ambry Genetics
Classification: Uncertain significance. Last evaluated: 2025-02-08. Review status: criteria provided, single submitter. Criteria: Ambry Variant Classification Scheme 2023. Collection method: clinical testing. Allele origin: germline.
Comment: The p.H178Q variant (also known as c.534T>A), located in coding exon 4 of the GEN1 gene, results from a T to A substitution at nucleotide position 534. The histidine at codon 178 is replaced by glutamine, an amino acid with highly similar properties. This amino acid position is conserved. In addition, this alteration is predicted to be tolerated by in silico analysis. Based on the available evidence, the clinical significance of this variant remains unclear.

NM_001130009.3(GEN1):c.534T>A (p.His178Gln)

Gene: GEN1 (GEN1 Holliday junction 5' flap endonuclease; plus strand). Cytogenetic location: 2p24.2.
Variant type: single nucleotide variant.
Coding change: c.534T>A on transcript NM_001130009.3 (MANE Select); coding-DNA position 534, T replaced by A.
Protein change: p.His178Gln; replaces histidine 178 with glutamine.
Molecular consequence: missense variant.
Genome position (GRCh38, 1-based): chr2:17,766,587, T>A. VCF-style: chr2-17766587-T-A. GRCh37 (hg19) VCF-style: chr2-17947854-T-A.
Other names: c.534T>A, p.His178Gln (NM_182625.5); short protein forms H178Q.
Identifiers: ClinVar variation 3853557 (VCV003853557.1).